The following is an entry in ClinVar:

ClinVar aggregate classification (germline): Uncertain significance (1 of 4 stars; one submission).

Allele frequency attached by ClinVar (database versions not stated): TOPMed 0.00001.
gnomAD v4.1: 6 of 1,613,772 alleles (0.00037%); highest among the groups gnomAD compares: South Asian, 0.0011%; no homozygotes.

Submissions (2):

Labcorp Genetics (formerly Invitae), Labcorp
Classification: Uncertain significance. Last evaluated: 2021-03-10. Review status: criteria provided, single submitter. Criteria: Invitae Variant Classification Sherloc (09022015). Collection method: clinical testing. Allele origin: germline.
Comment: In summary, the available evidence is currently insufficient to determine the role of this variant in disease. Therefore, it has been classified as a Variant of Uncertain Significance. Algorithms developed to predict the effect of missense changes on protein structure and function are either unavailable or do not agree on the potential impact of this missense change (SIFT: "Tolerated"; PolyPhen-2: "Possibly Damaging"; Align-GVGD: "Class C0"). This variant has not been reported in the literature in individuals with DMXL2-related conditions. This variant is present in population databases (rs781495241, ExAC no frequency). This sequence change replaces threonine with methionine at codon 2898 of the DMXL2 protein (p.Thr2898Met). The threonine residue is weakly conserved and there is a moderate physicochemical difference between threonine and methionine.

Dr. Peter K. Rogan Lab, Western University
No classification provided (evidence only). Condition: Hepatocellular carcinoma. Review status: no classification provided. Collection method: in vitro. Allele origin: not applicable. Functional consequence: retained intron. Not counted in ClinVar's aggregate classification.

NM_001378457.1(DMXL2):c.8756C>T (p.Thr2919Met)

Genes: DMXL2 (Dmx like 2; minus strand), LOC126862131 (MED14-independent group 3 enhancer GRCh37_chr15:51741640-51742839; plus strand). Cytogenetic location: 15q21.2.
Variant type: single nucleotide variant.
Coding change: c.8756C>T on transcript NM_001378457.1 (MANE Select); coding-DNA position 8756, C replaced by T.
Protein change: p.Thr2919Met; replaces threonine 2919 with methionine.
Molecular consequence: missense variant. On other transcripts: non-coding transcript variant (2).
Genome position (GRCh38, 1-based): chr15:51,450,340, G>A on the plus strand (C>T on the coding strand, the complement: DMXL2 is on the minus strand). VCF-style: chr15-51450340-G-A. GRCh37 (hg19) VCF-style: chr15-51742537-G-A.
Other names: c.8693C>T, p.Thr2898Met (NM_001174116.3); c.6782C>T, p.Thr2261Met (NM_001174117.3); c.8753C>T, p.Thr2918Met (NM_001378458.1); c.8468C>T, p.Thr2823Met (NM_001378459.1); c.6671C>T, p.Thr2224Met (NM_001378460.1); c.8690C>T, p.Thr2897Met (NM_015263.5); short protein forms T2823M, T2919M, T2224M, T2898M, T2261M, T2897M, T2918M.
Identifiers: ClinVar variation 1377791 (VCV001377791.7), dbSNP rs781495241, ClinGen allele CA7560898.